The following is an entry in ClinVar:

ClinVar aggregate classification (germline): Uncertain significance (1 of 4 stars; one submission).

Submission:

GeneDx
Classification: Uncertain significance. Last evaluated: 2020-10-16. Review status: criteria provided, single submitter. Criteria: GeneDx Variant Classification Process June 2021. Collection method: clinical testing. Allele origin: germline. Affected: yes.
Comment: Not observed in large population cohorts (Lek et al., 2016); In silico analysis supports that this missense variant has a deleterious effect on protein structure/function; Has not been previously published as pathogenic or benign to our knowledge

NM_024422.6(DSC2):c.800C>G (p.Ala267Gly)

Gene: DSC2 (desmocollin 2; minus strand). Cytogenetic location: 18q12.1.
Variant type: single nucleotide variant.
Coding change: c.800C>G on transcript NM_024422.6 (MANE Select); coding-DNA position 800, C replaced by G.
Protein change: p.Ala267Gly; replaces alanine 267 with glycine.
Molecular consequence: missense variant.
Genome position (GRCh38, 1-based): chr18:31,086,718, G>C on the plus strand (C>G on the coding strand, the complement: DSC2 is on the minus strand). VCF-style: chr18-31086718-G-C. GRCh37 (hg19) VCF-style: chr18-28666681-G-C.
Other names: c.800C>G, p.Ala267Gly (NM_004949.5); short protein forms A267G.
Identifiers: ClinVar variation 1313452 (VCV001313452.2), dbSNP rs2144830884, ClinGen allele CA402112293.